The following is an entry in ClinVar:

ClinVar aggregate classification (germline): Conflicting classifications of pathogenicity. Review status: criteria provided, conflicting classifications (1 of 4 stars). 4 submissions from 4 submitters: Uncertain significance (1); Likely benign (3). Last evaluated 2025-10-04.

Conditions:
Hajdu-Cheney syndrome (HJCYS). Also called: ACROOSTEOLYSIS WITH OSTEOPOROSIS AND CHANGES IN SKULL AND MANDIBLE; SERPENTINE FIBULA-POLYCYSTIC KIDNEY SYNDROME; Acroosteolysis dominant type. Identifiers: Orphanet 955, MedGen C0917715, MONDO:0007057, OMIM 102500.

Allele frequency attached by ClinVar (database versions not stated): gnomAD exomes 0.00010 and 0.00015; TOPMed 0.00011; ExAC 0.00012; gnomAD 0.00012 and 0.00015; 1000 Genomes Project 0.00020; 1000 Genomes Project 30x 0.00031.
gnomAD v4.1: 179 of 1,613,734 alleles (0.011%); highest among the groups gnomAD compares: East Asian, 0.02%; 3 homozygotes.

Submissions (4):

Labcorp Genetics (formerly Invitae), Labcorp
Classification: Likely benign for Hajdu-Cheney syndrome. Last evaluated: 2025-10-04. Review status: criteria provided, single submitter. Criteria: Invitae Variant Classification Sherloc (09022015). Collection method: clinical testing. Allele origin: germline.

CeGaT Center for Human Genetics Tuebingen
Classification: Likely benign. Last evaluated: 2025-04-01. Review status: criteria provided, single submitter. Criteria: CeGaT Center For Human Genetics Tuebingen Variant Classification Criteria Version 2. Collection method: clinical testing. Allele origin: germline. Affected: yes. Observed: 4 variant alleles.
Comment: NOTCH2: BP4, BP7

Blueprint Genetics
Classification: Likely benign. Last evaluated: 2024-11-22. Review status: criteria provided, single submitter. Criteria: ACMG Guidelines, 2015. Collection method: clinical testing. Allele origin: germline.

Eurofins Ntd Llc (ga)
Classification: Uncertain significance. Last evaluated: 2018-02-08. Review status: criteria provided, single submitter. Criteria: EGL Classification Definitions 2015. Collection method: clinical testing. Allele origin: germline. Observed: 2 variant alleles, 2 heterozygotes.

NM_024408.4(NOTCH2):c.786T>C (p.Asp262=)

Gene: NOTCH2 (notch receptor 2; minus strand). Cytogenetic location: 1p12.
Variant type: single nucleotide variant.
Coding change: c.786T>C on transcript NM_024408.4 (MANE Select); coding-DNA position 786, T replaced by C.
Protein change: p.Asp262=; no amino-acid change (aspartic acid 262 retained).
Molecular consequence: synonymous variant.
Genome position (GRCh38, 1-based): chr1:119,987,048, A>G on the plus strand (T>C on the coding strand, the complement: NOTCH2 is on the minus strand). VCF-style: chr1-119987048-A-G. GRCh37 (hg19) VCF-style: chr1-120529671-A-G.
Other names: c.786T>C, p.Asp262= (NM_001200001.2).
Identifiers: ClinVar variation 596064 (VCV000596064.55), dbSNP rs374224226, ClinGen allele CA1040668.